The following is an entry in ClinVar:

ClinVar aggregate classification (germline): Pathogenic (1 of 4 stars; one submission).

Conditions:
T-B+ severe combined immunodeficiency due to JAK3 deficiency. Also called: SCID, autosomal recessive, T-negative/B-positive type; SCID, T CELL-NEGATIVE, B CELL-POSITIVE, NK CELL-NEGATIVE. Identifiers: Orphanet 35078, MedGen C1833275, MONDO:0010938, OMIM 600802.

Submission:

Labcorp Genetics (formerly Invitae), Labcorp
Classification: Pathogenic for T-B+ severe combined immunodeficiency due to JAK3 deficiency. Last evaluated: 2023-04-14. Review status: criteria provided, single submitter. Criteria: Invitae Variant Classification Sherloc (09022015). Collection method: clinical testing. Allele origin: germline.
Comment: This variant is not present in population databases (gnomAD no frequency). This variant has not been reported in the literature in individuals affected with JAK3-related conditions. For these reasons, this variant has been classified as Pathogenic. This sequence change creates a premature translational stop signal (p.Ser826*) in the JAK3 gene. It is expected to result in an absent or disrupted protein product. Loss-of-function variants in JAK3 are known to be pathogenic (PMID: 7481768, 11668621).

Literature cited by the submitters: PubMed 7481768; PubMed 11668621.

NM_000215.4(JAK3):c.2477C>G (p.Ser826Ter)

Gene: JAK3 (Janus kinase 3; minus strand). Cytogenetic location: 19p13.11.
Variant type: single nucleotide variant.
Coding change: c.2477C>G on transcript NM_000215.4 (MANE Select); coding-DNA position 2477, C replaced by G.
Protein change: p.Ser826Ter; replaces serine 826 with a stop codon.
Molecular consequence: nonsense.
Genome position (GRCh38, 1-based): chr19:17,832,803, G>C on the plus strand (C>G on the coding strand, the complement: JAK3 is on the minus strand). VCF-style: chr19-17832803-G-C. GRCh37 (hg19) VCF-style: chr19-17943612-G-C.
Other names: short protein forms S826*.
Identifiers: ClinVar variation 2880666 (VCV002880666.3), dbSNP rs2147678860, ClinGen allele CA404766690.